The following is an entry in ClinVar:

NM_021954.4(GJA3):c.895C>A (p.Leu299Met)

Gene: GJA3 (gap junction protein alpha 3; minus strand). Cytogenetic location: 13q12.11.
Variant type: single nucleotide variant.
Coding change: c.895C>A on transcript NM_021954.4 (MANE Select); coding-DNA position 895, C replaced by A.
Protein change: p.Leu299Met; replaces leucine 299 with methionine.
Molecular consequence: missense variant.
Genome position (GRCh38, 1-based): chr13:20,142,394, G>T on the plus strand (C>A on the coding strand, the complement: GJA3 is on the minus strand). VCF-style: chr13-20142394-G-T. GRCh37 (hg19) VCF-style: chr13-20716533-G-T.
Other names: short protein forms L299M.
Identifiers: ClinVar variation 261459 (VCV000261459.18), dbSNP rs968566, ClinGen allele CA6904029.

ClinVar aggregate classification (germline): Benign. Review status: criteria provided, multiple submitters, no conflicts (2 of 4 stars). 6 submissions from 6 submitters: Benign (6). Last evaluated 2026-01-28.

Conditions:
Cataract 14 multiple types. Also called: CATARACT 14, ZONULAR PULVERULENT; CATARACT 14, NUCLEAR PULVERULENT; CATARACT 14, NUCLEAR PULVERULENT AND POSTERIOR POLAR; CATARACT 14, NUCLEAR CORALLIFORM; CATARACT 14, EMBRYONAL NUCLEAR; CATARACT 14, COPPOCK-LIKE. Identifiers: Orphanet 91492, MedGen C1866078, MONDO:0011162, OMIM 601885.

Allele frequency attached by ClinVar (database versions not stated): 1000 Genomes Project 30x 0.95800; TOPMed 0.96379; 1000 Genomes Project 0.96486; gnomAD 0.96584 and 0.96818; ESP Exome Variant Server 0.96839; ExAC 0.98676; gnomAD exomes 0.99093 and 0.99699.

Submissions (6):

Labcorp Genetics (formerly Invitae), Labcorp
Classification: Benign for Cataract 14 multiple types. Last evaluated: 2026-01-28. Review status: criteria provided, single submitter. Criteria: Invitae Variant Classification Sherloc (09022015). Collection method: clinical testing. Allele origin: germline.

Genome-Nilou Lab
Classification: Benign for Cataract 14 multiple types. Last evaluated: 2021-08-10. Review status: criteria provided, single submitter. Criteria: ACMG Guidelines, 2015. Collection method: clinical testing. Allele origin: germline. Affected: no.

GeneDx
Classification: Benign. Last evaluated: 2018-03-24. Review status: criteria provided, single submitter. Criteria: GeneDx Variant Classification (06012015). Collection method: clinical testing. Allele origin: germline. Affected: yes.
Comment: This variant is considered likely benign or benign based on one or more of the following criteria: it is a conservative change, it occurs at a poorly conserved position in the protein, it is predicted to be benign by multiple in silico algorithms, and/or has population frequency not consistent with disease.

Illumina Laboratory Services, Illumina
Classification: Benign for Cataract 14 multiple types. Last evaluated: 2018-01-13. Review status: criteria provided, single submitter. Criteria: ICSL Variant Classification Criteria 13 December 2019. Collection method: clinical testing. Allele origin: germline.
Comment: This variant was observed in the ICSL laboratory as part of a predisposition screen in an ostensibly healthy population. It had not been previously curated by ICSL or reported in the Human Gene Mutation Database (HGMD: prior to June 1st, 2018), and was therefore a candidate for classification through an automated scoring system. Utilizing variant allele frequency, disease prevalence and penetrance estimates, and inheritance mode, an automated score was calculated to assess if this variant is too frequent to cause the disease. Based on the score and internal cut-off values, a variant classified as benign is not then subjected to further curation. The score for this variant resulted in a classification of benign for this disease.

Breakthrough Genomics
Classification: Benign. Review status: criteria provided, single submitter. Criteria: ACMG Guidelines, 2015. Collection method: not provided. Allele origin: germline. Inheritance: Autosomal dominant inheritance. Affected: yes.

PreventionGenetics, part of Exact Sciences
Classification: Benign. Review status: criteria provided, single submitter. Criteria: ACMG Guidelines, 2015. Collection method: clinical testing. Allele origin: germline.